The following is an entry in ClinVar:

ClinVar aggregate classification (germline): Uncertain significance (1 of 4 stars; one submission).

Submission:

Labcorp Genetics (formerly Invitae), Labcorp
Classification: Uncertain significance. Last evaluated: 2020-02-26. Review status: criteria provided, single submitter. Criteria: Invitae Variant Classification Sherloc (09022015). Collection method: clinical testing. Allele origin: germline.
Comment: This sequence change results in a premature translational stop signal in the NOTCH3 gene (p.Phe2235Leufs*10). While this is not anticipated to result in nonsense mediated decay, it is expected to disrupt the last 87 amino acids of the NOTCH3 protein. This variant is not present in population databases (ExAC no frequency). This variant has not been reported in the literature in individuals with NOTCH3-related conditions. In summary, the available evidence is currently insufficient to determine the role of this variant in disease. Therefore, it has been classified as a Variant of Uncertain Significance.

NM_000435.3(NOTCH3):c.6705_6730del (p.Phe2235fs)

Gene: NOTCH3 (notch receptor 3; minus strand). Cytogenetic location: 19p13.12.
Variant type: Deletion.
Coding change: c.6705_6730del on transcript NM_000435.3 (MANE Select); coding-DNA positions 6705 to 6730, 26 bases deleted (CCTGCGGGTTCCCAGTGAGCACCCTT).
Protein change: p.Phe2235fs; shifts the reading frame from phenylalanine 2235.
Molecular consequence: frameshift variant.
Genome position (GRCh38, 1-based): chr19:15,160,898-15,160,923, AAGGGTGCTCACTGGGAACCCGCAGG deleted on the plus strand (CCTGCGGGTTCCCAGTGAGCACCCTT on the coding strand, the reverse complement: NOTCH3 is on the minus strand); deleting any 26 consecutive bases within chr19:15,160,898-15,160,926 gives the same sequence; the c. name uses the placement nearest the transcript's 3' end. VCF-style (leftmost placement, unchanged base first): chr19-15160897-TAAGGGTGCTCACTGGGAACCCGCAGG-T. GRCh37 (hg19) VCF-style: chr19-15271708-TAAGGGTGCTCACTGGGAACCCGCAGG-T.
Other names: short protein forms F2235fs.
Identifiers: ClinVar variation 1059338 (VCV001059338.2), dbSNP rs2145380263, ClinGen allele CA2499225415.